The following is an entry in ClinVar:

ClinVar aggregate classification (germline): Uncertain significance. Review status: criteria provided, multiple submitters, no conflicts (2 of 4 stars). 2 submissions from 2 submitters: Uncertain significance (2). Last evaluated 2025-10-20.

Conditions:
Retinitis pigmentosa 96 (RP96). Also called: Retinitis pigmentosa 96, autosomal dominant. Identifiers: MedGen C5774303, MONDO:0859367, OMIM 620228.

Allele frequency attached by ClinVar (database versions not stated): gnomAD exomes below 0.00001; TOPMed 0.00001.
gnomAD v4.1: 2 of 1,613,592 alleles (0.00012%); highest among the groups gnomAD compares: East Asian, 0.0022%; no homozygotes.

Submissions (2):

Labcorp Genetics (formerly Invitae), Labcorp
Classification: Uncertain significance. Last evaluated: 2025-10-20. Review status: criteria provided, single submitter. Criteria: Invitae Variant Classification Sherloc (09022015). Collection method: clinical testing. Allele origin: germline.
Comment: This sequence change replaces isoleucine, which is neutral and non-polar, with valine, which is neutral and non-polar, at codon 316 of the SAG protein (p.Ile316Val). This variant is present in population databases (no rsID available, gnomAD 0.01%). This variant has not been reported in the literature in individuals affected with SAG-related conditions. ClinVar contains an entry for this variant (Variation ID: 1931999). An algorithm developed to predict the effect of missense changes on protein structure and function outputs the following: PolyPhen-2: "Benign". The valine amino acid residue is found in multiple mammalian species, which suggests that this missense change does not adversely affect protein function. In summary, the available evidence is currently insufficient to determine the role of this variant in disease. Therefore, it has been classified as a Variant of Uncertain Significance.

3billion
Classification: Uncertain significance for Retinitis pigmentosa 96. Last evaluated: 2024-10-17. Review status: criteria provided, single submitter. Criteria: ACMG Guidelines, 2015. Collection method: clinical testing. Allele origin: germline. Affected: yes.
Comment: The variant is observed at an extremely low frequency in the gnomAD v4.1.0 dataset (total allele frequency: <0.001%). Predicted Consequence/Location: Missense variant. The majority of the known disease-causing variants of this gene are variants expected to result in premature termination of the protein. In silico tool predictions suggest no damaging effect of the variant on gene or gene product [REVEL: 0.06 (<0.4); 3Cnet: 0.06 (<0.15, specificity 0.78 and negative predictive value 0.92)]. The variant has been reported as of uncertain significance (ClinVar ID: VCV001931999). Therefore, this variant is classified as VUS according to the recommendation of ACMG/AMP guideline.

NM_000541.5(SAG):c.946A>G (p.Ile316Val)

Gene: SAG (S-antigen visual arrestin; plus strand). Cytogenetic location: 2q37.1.
Variant type: single nucleotide variant.
Coding change: c.946A>G on transcript NM_000541.5 (MANE Select); coding-DNA position 946, A replaced by G.
Protein change: p.Ile316Val; replaces isoleucine 316 with valine.
Molecular consequence: missense variant.
Genome position (GRCh38, 1-based): chr2:233,338,677, A>G. VCF-style: chr2-233338677-A-G. GRCh37 (hg19) VCF-style: chr2-234247323-A-G.
Other names: short protein forms I316V.
Identifiers: ClinVar variation 1931999 (VCV001931999.6), dbSNP rs1311728904, ClinGen allele CA351048752.